The following is an entry in ClinVar:

ClinVar aggregate classification (germline): Uncertain significance. Review status: criteria provided, multiple submitters, no conflicts (2 of 4 stars). 2 submissions from 2 submitters: Uncertain significance (2). Last evaluated 2023-07-27.

Allele frequency attached by ClinVar (database versions not stated): ExAC 0.00001.
gnomAD v4.1: 2 of 1,614,046 alleles (0.00012%); highest among the groups gnomAD compares: Non-Finnish European, 0.00017%; no homozygotes.

Submissions (2):

Athena Diagnostics
Classification: Uncertain significance. Last evaluated: 2023-07-27. Review status: criteria provided, single submitter. Criteria: Athena Diagnostics Criteria. Collection method: clinical testing. Allele origin: unknown.
Comment: Available data are insufficient to determine the clinical significance of the variant at this time. The frequency of this variant in the general population is uninformative in assessment of its pathogenicity. Computational tools predict that this variant is not damaging.

Labcorp Genetics (formerly Invitae), Labcorp
Classification: Uncertain significance. Last evaluated: 2022-10-08. Review status: criteria provided, single submitter. Criteria: Invitae Variant Classification Sherloc (09022015). Collection method: clinical testing. Allele origin: germline.
Comment: This sequence change replaces histidine, which is basic and polar, with proline, which is neutral and non-polar, at codon 1884 of the ITPR1 protein (p.His1884Pro). This variant is present in population databases (rs763857989, gnomAD 0.0009%). This variant has not been reported in the literature in individuals affected with ITPR1-related conditions. ClinVar contains an entry for this variant (Variation ID: 1463286). Advanced modeling of protein sequence and biophysical properties (such as structural, functional, and spatial information, amino acid conservation, physicochemical variation, residue mobility, and thermodynamic stability) performed at Invitae indicates that this missense variant is not expected to disrupt ITPR1 protein function. In summary, the available evidence is currently insufficient to determine the role of this variant in disease. Therefore, it has been classified as a Variant of Uncertain Significance.

NM_001378452.1(ITPR1):c.5840A>C (p.His1947Pro)

Gene: ITPR1 (inositol 1,4,5-trisphosphate receptor type 1; plus strand). Cytogenetic location: 3p26.1.
Variant type: single nucleotide variant.
Coding change: c.5840A>C on transcript NM_001378452.1 (MANE Select); coding-DNA position 5840, A replaced by C.
Protein change: p.His1947Pro; replaces histidine 1947 with proline.
Molecular consequence: missense variant.
Genome position (GRCh38, 1-based): chr3:4,768,625, A>C. VCF-style: chr3-4768625-A-C. GRCh37 (hg19) VCF-style: chr3-4810309-A-C.
Other names: c.5696A>C, p.His1899Pro (NM_001099952.4); c.5795A>C, p.His1932Pro (NM_001168272.2); c.5651A>C, p.His1884Pro (NM_002222.7); c.5795A>C (NM_001168272.1); short protein forms H1884P, H1932P, H1899P, H1947P.
Identifiers: ClinVar variation 1463286 (VCV001463286.7), dbSNP rs763857989, ClinGen allele CA2232443.